The following is an entry in ClinVar:

NM_000747.3(CHRNB1):c.278C>A (p.Ala93Glu)

Gene: CHRNB1 (cholinergic receptor nicotinic beta 1 subunit; plus strand). Cytogenetic location: 17p13.1.
Variant type: single nucleotide variant.
Coding change: c.278C>A on transcript NM_000747.3 (MANE Select); coding-DNA position 278, C replaced by A.
Protein change: p.Ala93Glu; replaces alanine 93 with glutamic acid.
Molecular consequence: missense variant.
Genome position (GRCh38, 1-based): chr17:7,446,867, C>A. VCF-style: chr17-7446867-C-A. GRCh37 (hg19) VCF-style: chr17-7350186-C-A.
Other names: short protein forms A93E.
Identifiers: ClinVar variation 4812295 (VCV004812295.1).

ClinVar aggregate classification (germline): Uncertain significance (1 of 4 stars; one submission).

Conditions:
Congenital myasthenic syndrome 2A. Also called: Myasthenic syndrome, congenital, 2a, slow-channel. Identifiers: Orphanet 590, MedGen C4225374, MONDO:0014581, OMIM 616313.

gnomAD v4.1: 3 of 1,613,810 alleles (0.00019%); highest among the groups gnomAD compares: African/African-American, 0.0013%; no homozygotes.

Submission:

Labcorp Genetics (formerly Invitae), Labcorp
Classification: Uncertain significance for Congenital myasthenic syndrome 2A. Last evaluated: 2025-03-19. Review status: criteria provided, single submitter. Criteria: Invitae Variant Classification Sherloc (09022015). Collection method: clinical testing. Allele origin: germline.
Comment: This sequence change replaces alanine, which is neutral and non-polar, with glutamic acid, which is acidic and polar, at codon 93 of the CHRNB1 protein (p.Ala93Glu). This variant is not present in population databases (gnomAD no frequency). This variant has not been reported in the literature in individuals affected with CHRNB1-related conditions. Invitae Evidence Modeling of protein sequence and biophysical properties (such as structural, functional, and spatial information, amino acid conservation, physicochemical variation, residue mobility, and thermodynamic stability) indicates that this missense variant is not expected to disrupt CHRNB1 protein function with a negative predictive value of 80%. In summary, the available evidence is currently insufficient to determine the role of this variant in disease. Therefore, it has been classified as a Variant of Uncertain Significance.